The following is an entry in ClinVar:

NM_000043.6(FAS):c.204G>T (p.Arg68Ser)

Gene: FAS (Fas cell surface death receptor; plus strand). Cytogenetic location: 10q23.31.
Variant type: single nucleotide variant.
Coding change: c.204G>T on transcript NM_000043.6 (MANE Select); coding-DNA position 204, G replaced by T.
Protein change: p.Arg68Ser; replaces arginine 68 with serine.
Molecular consequence: missense variant. On other transcripts: non-coding transcript variant (4).
Genome position (GRCh38, 1-based): chr10:89,007,707, G>T. VCF-style: chr10-89007707-G-T. GRCh37 (hg19) VCF-style: chr10-90767464-G-T.
Other names: c.204G>T, p.Arg68Ser (NM_001320619.2, NM_152871.4, NM_152872.4); c.249G>T, p.Arg83Ser (NM_001410956.1); short protein forms R83S, R68S.
Identifiers: ClinVar variation 2959237 (VCV002959237.3), dbSNP rs1250810727, ClinGen allele CA377508086.

ClinVar aggregate classification (germline): Uncertain significance (1 of 4 stars; one submission).

Conditions:
Autoimmune lymphoproliferative syndrome type 1. Also called: AUTOIMMUNE LYMPHOPROLIFERATIVE SYNDROME, TYPE I, AUTOSOMAL DOMINANT. Identifiers: Orphanet 3261, MedGen C2717884, MONDO:0011158, OMIM 601859.

Allele frequency attached by ClinVar (database versions not stated): gnomAD exomes below 0.00001; TOPMed below 0.00001; gnomAD 0.00001.
gnomAD v4.1: 6 of 1,613,734 alleles (0.00037%); highest among the groups gnomAD compares: Admixed American, 0.0017%; no homozygotes.

Submission:

Labcorp Genetics (formerly Invitae), Labcorp
Classification: Uncertain significance for Autoimmune lymphoproliferative syndrome. Last evaluated: 2023-11-07. Review status: criteria provided, single submitter. Criteria: Invitae Variant Classification Sherloc (09022015). Collection method: clinical testing. Allele origin: germline.
Comment: This sequence change replaces arginine, which is basic and polar, with serine, which is neutral and polar, at codon 68 of the FAS protein (p.Arg68Ser). This variant is present in population databases (no rsID available, gnomAD 0.0008%). This variant has not been reported in the literature in individuals affected with FAS-related conditions. Advanced modeling of protein sequence and biophysical properties (such as structural, functional, and spatial information, amino acid conservation, physicochemical variation, residue mobility, and thermodynamic stability) has been performed at Invitae for this missense variant, however the output from this modeling did not meet the statistical confidence thresholds required to predict the impact of this variant on FAS protein function. In summary, the available evidence is currently insufficient to determine the role of this variant in disease. Therefore, it has been classified as a Variant of Uncertain Significance.